The following is an entry in ClinVar:

ClinVar aggregate classification (germline): Likely benign (1 of 4 stars; one submission).

Allele frequency attached by ClinVar (database versions not stated): ExAC 0.00001; TOPMed 0.00001.

Submission:

CeGaT Center for Human Genetics Tuebingen
Classification: Likely benign. Last evaluated: 2022-10-01. Review status: criteria provided, single submitter. Criteria: CeGaT Center For Human Genetics Tuebingen Variant Classification Criteria Version 2. Collection method: clinical testing. Allele origin: germline. Affected: yes. Observed: 1 variant allele.
Comment: ZNF443: BP4, BP7

NM_005815.5(ZNF443):c.1830T>C (p.His610=)

Gene: ZNF443 (zinc finger protein 443; minus strand). Cytogenetic location: 19p13.2.
Variant type: single nucleotide variant.
Coding change: c.1830T>C on transcript NM_005815.5 (MANE Select); coding-DNA position 1830, T replaced by C.
Protein change: p.His610=; no amino-acid change (histidine 610 retained).
Molecular consequence: synonymous variant.
Genome position (GRCh38, 1-based): chr19:12,430,342, A>G on the plus strand (T>C on the coding strand, the complement: ZNF443 is on the minus strand). VCF-style: chr19-12430342-A-G. GRCh37 (hg19) VCF-style: chr19-12541156-A-G.
Identifiers: ClinVar variation 2649341 (VCV002649341.24), dbSNP rs758602167, ClinGen allele CA9223841.
Genomic context (GRCh38, chr19:12,430,342, plus strand): 5'-GGAACTGAGAGAAGCAAATGCTTTCCCACATTCCTTACATTCATACGGGTTCTCTCCAGT[A>G]TGAGTTTTTTCATGTCCTTGAAGAAAACGGGAATGAGTGAAGGCTTTACCACATTGTGGA-3'
Protein context (NP_005806.3, residues 600-620): SRFLQGHEKT[His610=]TGENPYECKE